The following is an entry in ClinVar:

NM_004100.5(EYA4):c.875C>G (p.Ala292Gly)

Gene: EYA4 (EYA transcriptional coactivator and phosphatase 4; plus strand). Cytogenetic location: 6q23.2.
Variant type: single nucleotide variant.
Coding change: c.875C>G on transcript NM_004100.5 (MANE Select); coding-DNA position 875, C replaced by G.
Protein change: p.Ala292Gly; replaces alanine 292 with glycine.
Molecular consequence: missense variant.
Genome position (GRCh38, 1-based): chr6:133,468,636, C>G. VCF-style: chr6-133468636-C-G. GRCh37 (hg19) VCF-style: chr6-133789774-C-G.
Other names: c.713C>G, p.Ala238Gly (NM_001301012.2, NM_001370459.1); c.875C>G, p.Ala292Gly (NM_001301013.2, NM_172105.4); c.806C>G, p.Ala269Gly (NM_001370458.1, NM_172103.4); short protein forms A238G, A292G, A269G.
Identifiers: ClinVar variation 2873195 (VCV002873195.3), dbSNP rs764985361, ClinGen allele CA365703581.

ClinVar aggregate classification (germline): Uncertain significance (1 of 4 stars; one submission).

Conditions:
Dilated cardiomyopathy 1J (CMD1J). Also called: CARDIOMYOPATHY, DILATED, WITH SENSORINEURAL HEARING LOSS, AUTOSOMAL DOMINANT. Identifiers: Orphanet 217622, MedGen C1854368, MONDO:0011541, OMIM 605362.

Submission:

Labcorp Genetics (formerly Invitae), Labcorp
Classification: Uncertain significance for Dilated cardiomyopathy 1J. Last evaluated: 2023-07-27. Review status: criteria provided, single submitter. Criteria: Invitae Variant Classification Sherloc (09022015). Collection method: clinical testing. Allele origin: germline.
Comment: An algorithm developed to predict the effect of missense changes on protein structure and function (PolyPhen-2) suggests that this variant is likely to be tolerated. In summary, the available evidence is currently insufficient to determine the role of this variant in disease. Therefore, it has been classified as a Variant of Uncertain Significance. This variant has not been reported in the literature in individuals affected with EYA4-related conditions. This variant is not present in population databases (gnomAD no frequency). This sequence change replaces alanine, which is neutral and non-polar, with glycine, which is neutral and non-polar, at codon 292 of the EYA4 protein (p.Ala292Gly).